The following is an entry in ClinVar:

NM_000321.3(RB1):c.1655G>C (p.Arg552Pro)

Gene: RB1 (RB transcriptional corepressor 1; plus strand). Cytogenetic location: 13q14.2.
Variant type: single nucleotide variant.
Coding change: c.1655G>C on transcript NM_000321.3 (MANE Select); coding-DNA position 1655, G replaced by C.
Protein change: p.Arg552Pro; replaces arginine 552 with proline.
Molecular consequence: missense variant.
Genome position (GRCh38, 1-based): chr13:48,381,403, G>C. VCF-style: chr13-48381403-G-C. GRCh37 (hg19) VCF-style: chr13-48955539-G-C.
Other names: c.1655G>C, p.Arg552Pro (NM_001407165.1, NM_001407166.1); short protein forms R552P.
Identifiers: ClinVar variation 4738315 (VCV004738315.1).
Genomic context (GRCh38, chr13:48,381,403, plus strand): 5'-TCGAAAGTTTTATCAAAGCAGAAGGCAACTTGACAAGAGAAATGATAAAACATTTAGAAC[G>C]ATGTGAACATCGAATCATGGAATCCCTTGCATGGCTCTCAGTAAGTAGCTAAATAATTGA-3'
Protein context (NP_000312.2, residues 542-562): LTREMIKHLE[Arg552Pro]CEHRIMESLA

ClinVar aggregate classification (germline): Uncertain significance (1 of 4 stars; one submission).

Conditions:
Retinoblastoma (RB1). Also called: RETINOBLASTOMA, SOMATIC. Identifiers: Orphanet 790, MedGen C0035335, MeSH D012175, MONDO:0008380, OMIM 180200, HP:0009919. Disease mechanism: loss of function. Inheritance: Both sporadic and heritable forms are tested..

Submission:

Labcorp Genetics (formerly Invitae), Labcorp
Classification: Uncertain significance for Retinoblastoma. Last evaluated: 2025-07-24. Review status: criteria provided, single submitter. Criteria: Invitae Variant Classification Sherloc (09022015). Collection method: clinical testing. Allele origin: germline.
Comment: This sequence change replaces arginine, which is basic and polar, with proline, which is neutral and non-polar, at codon 552 of the RB1 protein (p.Arg552Pro). This variant is not present in population databases (gnomAD no frequency). This variant has not been reported in the literature in individuals affected with RB1-related conditions. Invitae Evidence Modeling of protein sequence and biophysical properties (such as structural, functional, and spatial information, amino acid conservation, physicochemical variation, residue mobility, and thermodynamic stability) indicates that this missense variant is expected to disrupt RB1 protein function with a positive predictive value of 80%. In summary, the available evidence is currently insufficient to determine the role of this variant in disease. Therefore, it has been classified as a Variant of Uncertain Significance.